The following is an entry in ClinVar:

NM_000179.3(MSH6):c.1209C>T (p.Leu403=)

Gene: MSH6 (mutS homolog 6; plus strand). Cytogenetic location: 2p16.3.
Variant type: single nucleotide variant.
Coding change: c.1209C>T on transcript NM_000179.3 (MANE Select); coding-DNA position 1209, C replaced by T.
Protein change: p.Leu403=; no amino-acid change (leucine 403 retained).
Molecular consequence: synonymous variant.
Genome position (GRCh38, 1-based): chr2:47,799,192, C>T. VCF-style: chr2-47799192-C-T. GRCh37 (hg19) VCF-style: chr2-48026331-C-T.
Other names: c.819C>T, p.Leu273= (NM_001281492.2); c.303C>T, p.Leu101= (NM_001281493.2, NM_001281494.2).
Identifiers: ClinVar variation 379200 (VCV000379200.22), dbSNP rs748603803, ClinGen allele CA16604300.

ClinVar aggregate classification (germline): Benign/Likely benign. Review status: criteria provided, multiple submitters, no conflicts (2 of 4 stars). 6 submissions from 6 submitters: Benign (1); Likely benign (5). Last evaluated 2025-08-18.

Conditions:
Hereditary nonpolyposis colorectal neoplasms. Identifiers: MedGen C0009405, MeSH D003123.
Hereditary cancer-predisposing syndrome. Also called: Tumor predisposition; Hereditary neoplastic syndrome; Neoplastic Syndromes, Hereditary; Hereditary Cancer Syndrome. Identifiers: Orphanet 140162, MedGen C0027672, MeSH D009386, MONDO:0015356.
Lynch syndrome. Identifiers: Orphanet 144, MedGen C4552100, MONDO:0005835. Disease mechanism: loss of function.
Lynch syndrome 5 (LYNCH5). Also called: Colorectal cancer, hereditary nonpolyposis, type 5; Hereditary non-polyposis colorectal cancer, type 5. Identifiers: Orphanet 144, MedGen C1833477, MONDO:0013710, OMIM 614350. Disease mechanism: loss of function.

gnomAD v4.1: 4 of 1,614,046 alleles (0.00025%); highest among the groups gnomAD compares: Non-Finnish European, 0.00034%; no homozygotes.

Submissions (6):

Labcorp Genetics (formerly Invitae), Labcorp
Classification: Likely benign for Hereditary nonpolyposis colorectal neoplasms. Last evaluated: 2025-08-18. Review status: criteria provided, single submitter. Criteria: Invitae Variant Classification Sherloc (09022015). Collection method: clinical testing. Allele origin: germline.

Myriad Genetics, Inc.
Classification: Benign for Lynch syndrome 5. Last evaluated: 2024-12-23. Review status: criteria provided, single submitter. Criteria: Myriad Autosomal Dominant, Autosomal Recessive and X-Linked Classification Criteria (2023). Collection method: clinical testing. Allele origin: unknown.
Comment: This variant is considered benign. This variant is a silent/synonymous amino acid change and it is not expected to impact splicing.

All of Us Research Program, National Institutes of Health
Classification: Likely benign for Lynch syndrome. Last evaluated: 2023-04-10. Review status: criteria provided, single submitter. Criteria: ACMG Guidelines, 2015. Collection method: clinical testing. Allele origin: germline. Inheritance: Autosomal dominant inheritance. Observed: 1 variant allele, 1 heterozygote.
Comment: This study involves interpretation of variants in research participants for the purpose of population health screening. Participant phenotype was not available at the time of variant classification. Additional details can be found in publication PMID: 35346344, PMCID: PMC8962531

GeneDx
Classification: Likely benign. Last evaluated: 2019-02-11. Review status: criteria provided, single submitter. Criteria: GeneDx Variant Classification Process June 2021. Collection method: clinical testing. Allele origin: germline. Affected: yes.

Color Diagnostics, LLC DBA Color Health
Classification: Likely benign for Hereditary cancer-predisposing syndrome. Last evaluated: 2017-08-10. Review status: criteria provided, single submitter. Criteria: ACMG Guidelines, 2015. Collection method: clinical testing. Allele origin: germline.

Ambry Genetics
Classification: Likely benign for Hereditary cancer-predisposing syndrome. Last evaluated: 2017-06-06. Review status: criteria provided, single submitter. Criteria: Ambry Variant Classification Scheme 2023. Collection method: clinical testing. Allele origin: germline.